The following is an entry in ClinVar:

NM_002691.4(POLD1):c.1341G>T (p.Lys447Asn)

Gene: POLD1 (DNA polymerase delta 1, catalytic subunit; plus strand). Cytogenetic location: 19q13.33.
Variant type: single nucleotide variant.
Coding change: c.1341G>T on transcript NM_002691.4 (MANE Select); coding-DNA position 1341, G replaced by T.
Protein change: p.Lys447Asn; replaces lysine 447 with asparagine.
Molecular consequence: missense variant. On other transcripts: non-coding transcript variant (1).
Genome position (GRCh38, 1-based): chr19:50,406,280, G>T. VCF-style: chr19-50406280-G-T. GRCh37 (hg19) VCF-style: chr19-50909537-G-T.
Other names: c.1341G>T, p.Lys447Asn (NM_001256849.1, NM_001308632.1); short protein forms K447N.
Identifiers: ClinVar variation 1498024 (VCV001498024.8), dbSNP rs1319510284, ClinGen allele CA406979908.

ClinVar aggregate classification (germline): Uncertain significance (1 of 4 stars; one submission).

Conditions:
POLD1-related polyposis and colorectal cancer syndrome (CRCS10). Also called: Colorectal cancer 10; COLORECTAL CANCER, SUSCEPTIBILITY TO, ON CHROMOSOME 19q; Colorectal cancer, susceptibility to, 10. Identifiers: Orphanet 220460, MedGen C2675481, MONDO:0012953, OMIM 612591.

Submission:

Labcorp Genetics (formerly Invitae), Labcorp
Classification: Uncertain significance for POLD1-related polyposis and colorectal cancer syndrome. Last evaluated: 2024-11-05. Review status: criteria provided, single submitter. Criteria: Invitae Variant Classification Sherloc (09022015). Collection method: clinical testing. Allele origin: germline.
Comment: This sequence change replaces lysine, which is basic and polar, with asparagine, which is neutral and polar, at codon 447 of the POLD1 protein (p.Lys447Asn). This variant is not present in population databases (gnomAD no frequency). This variant has not been reported in the literature in individuals affected with POLD1-related conditions. ClinVar contains an entry for this variant (Variation ID: 1498024). Invitae Evidence Modeling of protein sequence and biophysical properties (such as structural, functional, and spatial information, amino acid conservation, physicochemical variation, residue mobility, and thermodynamic stability) indicates that this missense variant is not expected to disrupt POLD1 protein function with a negative predictive value of 80%. In summary, the available evidence is currently insufficient to determine the role of this variant in disease. Therefore, it has been classified as a Variant of Uncertain Significance.